The following is an entry in ClinVar:

NM_001385012.1(NBEA):c.7746G>T (p.Pro2582=)

Gene: NBEA (neurobeachin; plus strand). Cytogenetic location: 13q13.3.
Variant type: single nucleotide variant.
Coding change: c.7746G>T on transcript NM_001385012.1 (MANE Select); coding-DNA position 7746, G replaced by T.
Protein change: p.Pro2582=; no amino-acid change (proline 2582 retained).
Molecular consequence: synonymous variant.
Genome position (GRCh38, 1-based): chr13:35,646,324, G>T. VCF-style: chr13-35646324-G-T. GRCh37 (hg19) VCF-style: chr13-36220461-G-T.
Other names: c.1062G>T, p.Pro354= (NM_001204197.3); c.7737G>T, p.Pro2579= (NM_001379245.1); c.7683G>T, p.Pro2561= (NM_015678.5).
Identifiers: ClinVar variation 3049701 (VCV003049701.2), dbSNP rs146396146, ClinGen allele CA248079695.
Genomic context (GRCh38, chr13:35,646,324, plus strand): 5'-GGAGGCACAGATACAGAACTTTGGACAGACGCCATCTCAGTTGCTTATTGAGCCACATCC[G>T]CCTCGGAGCTCTGCCATGCACCTGGTAAGACATATCAGCATGTTGAGATTTTTTTTTCTT-3'
Protein context (NP_001371941.1, residues 2572-2592): TPSQLLIEPH[Pro2582=]PRSSAMHLCF

ClinVar aggregate classification (germline): Likely benign (0 of 4 stars; one submission).

Conditions:
NBEA-related disorder. Also called: NBEA-related condition.

gnomAD v4.1: 14 of 1,613,600 alleles (0.00087%); highest among the groups gnomAD compares: South Asian, 0.0011%; no homozygotes.

Submission:

PreventionGenetics, part of Exact Sciences
Classification: Likely benign for NBEA-related condition. Last evaluated: 2019-07-12. Review status: no assertion criteria provided. Collection method: clinical testing. Allele origin: germline.
Comment: This variant is classified as likely benign based on ACMG/AMP sequence variant interpretation guidelines (Richards et al. 2015 PMID: 25741868, with internal and published modifications).